The following is an entry in ClinVar:

NM_004006.3(DMD):c.4477G>T (p.Val1493Leu)

Gene: DMD (dystrophin; minus strand). Cytogenetic location: Xp21.1.
Variant type: single nucleotide variant.
Coding change: c.4477G>T on transcript NM_004006.3 (MANE Select); coding-DNA position 4477, G replaced by T.
Protein change: p.Val1493Leu; replaces valine 1493 with leucine.
Molecular consequence: missense variant.
Genome position (GRCh38, 1-based): chrX:32,389,542, C>A on the plus strand (G>T on the coding strand, the complement: DMD is on the minus strand). VCF-style: chrX-32389542-C-A. GRCh37 (hg19) VCF-style: chrX-32407659-C-A.
Other names: c.4453G>T, p.Val1485Leu (NM_000109.4); c.4465G>T, p.Val1489Leu (NM_004009.3); c.4108G>T, p.Val1370Leu (NM_004010.3); c.454G>T, p.Val152Leu (NM_004011.4); c.445G>T, p.Val149Leu (NM_004012.4); short protein forms V1485L, V1493L, V152L, V149L, V1370L, V1489L.
Identifiers: ClinVar variation 1511027 (VCV001511027.8), dbSNP rs2097986154, ClinGen allele CA412663065.
Genomic context (GRCh38, chrX:32,389,542, plus strand): 5'-TGCCACCAGAAATACATACCACACAATGATTTAGCTGTGACTGTACTACTTCCTGTTCCA[C>A]ACTCTTTGTTTCCAATGCAGGCAAGTGCATCTTCACTTCATCTAAAATCATCTTACTTTC-3'
Protein context (NP_003997.2, residues 1483-1503): MHLPALETKS[Val1493Leu]EQEVVQSQLN

ClinVar aggregate classification (germline): Uncertain significance (1 of 4 stars; one submission).

Conditions:
Duchenne muscular dystrophy (DMD). Also called: Duchenne Muscular Dystrophy (DMD); MUSCULAR DYSTROPHY, PSEUDOHYPERTROPHIC PROGRESSIVE, DUCHENNE TYPE. Identifiers: Orphanet 98896, MedGen C0013264, MONDO:0010679, OMIM 310200.

Submission:

Labcorp Genetics (formerly Invitae), Labcorp
Classification: Uncertain significance for Duchenne muscular dystrophy. Last evaluated: 2025-09-20. Review status: criteria provided, single submitter. Criteria: Invitae Variant Classification Sherloc (09022015). Collection method: clinical testing. Allele origin: germline.
Comment: This sequence change replaces valine, which is neutral and non-polar, with leucine, which is neutral and non-polar, at codon 1493 of the DMD protein (p.Val1493Leu). This variant is not present in population databases (gnomAD no frequency). This variant has not been reported in the literature in individuals affected with DMD-related conditions. ClinVar contains an entry for this variant (Variation ID: 1511027). Invitae Evidence Modeling of protein sequence and biophysical properties (such as structural, functional, and spatial information, amino acid conservation, physicochemical variation, residue mobility, and thermodynamic stability) indicates that this missense variant is not expected to disrupt DMD protein function with a negative predictive value of 95%. In summary, the available evidence is currently insufficient to determine the role of this variant in disease. Therefore, it has been classified as a Variant of Uncertain Significance.